The following is an entry in ClinVar:

ClinVar aggregate classification (germline): Pathogenic/Likely pathogenic. Review status: criteria provided, multiple submitters, no conflicts (2 of 4 stars). 4 submissions from 4 submitters: Pathogenic (1); Likely pathogenic (2). 1 of the submissions does not count toward it. Last evaluated 2023-11-28.

Conditions:
Fetal akinesia, respiratory insufficiency, microcephaly, polymicrogyria, and dysmorphic facies. Identifiers: MedGen C5562015, MONDO:0859204, OMIM 619602.
Familial hemiplegic migraine. Identifiers: MedGen C0338484, MONDO:0000700.

Allele frequency attached by ClinVar (database versions not stated): ExAC 0.00001; gnomAD 0.00001.
gnomAD v4.1: 5 of 1,606,010 alleles (0.00031%); highest among the groups gnomAD compares: African/African-American, 0.0013%; no homozygotes.

Submissions (4):

Labcorp Genetics (formerly Invitae), Labcorp
Classification: Pathogenic for Familial hemiplegic migraine. Last evaluated: 2023-11-28. Review status: criteria provided, single submitter. Criteria: Invitae Variant Classification Sherloc (09022015). Collection method: clinical testing. Allele origin: germline.
Comment: This sequence change creates a premature translational stop signal (p.Arg412*) in the ATP1A2 gene. It is expected to result in an absent or disrupted protein product. Loss-of-function variants in ATP1A2 are known to be pathogenic (PMID: 30690204). The frequency data for this variant in the population databases is considered unreliable, as metrics indicate poor data quality at this position in the gnomAD database. This variant has not been reported in the literature in individuals affected with ATP1A2-related conditions. ClinVar contains an entry for this variant (Variation ID: 2507016). For these reasons, this variant has been classified as Pathogenic.

GeneDx
Classification: Likely pathogenic. Last evaluated: 2023-10-18. Review status: criteria provided, single submitter. Criteria: GeneDx Variant Classification Process June 2021. Collection method: clinical testing. Allele origin: germline. Affected: yes.
Comment: Nonsense variant predicted to result in protein truncation or nonsense mediated decay in a gene for which loss-of-function is a known mechanism of disease; Not observed at a significant frequency in large population cohorts (gnomAD); Has not been previously published as pathogenic or benign to our knowledge

Department Of Biochemistry, Hamamatsu University School Of Medicine
Classification: Likely pathogenic for Fetal akinesia, respiratory insufficiency, microcephaly, polymicrogyria, and dysmorphic facies. Last evaluated: 2023-06-30. Review status: criteria provided, single submitter. Criteria: ACMG Guidelines, 2015. Collection method: research. Allele origin: maternal. Inheritance: Autosomal recessive inheritance. Affected: yes. Observed: 1 compound heterozygote.
Comment: The c.1234C>T, p.(Arg412X) variant in ATP1A2 was observed in one African individual with heterozygous state (Allele Frequency 6.57x10-6) in the gnomAD but not registered in either HGMD or ClinVar databases. Based on American College of Medical Genetics and Genomics standards and guidelines, p.(Arg412X) variant was classified as Likely pathogenic (PVS1, PM2).

Dr.Nikuei Genetic Center
Classification: Pathogenic for Fetal akinesia, respiratory insufficiency, microcephaly, polymicrogyria, and dysmorphic facies. Review status: no assertion criteria provided. Collection method: clinical testing. Allele origin: germline. Inheritance: Autosomal recessive inheritance. Affected: yes. Observed: 1 homozygote. Not counted in ClinVar's aggregate classification.

Literature cited by the submitters: PubMed 30690204 (cited by Labcorp Genetics (formerly Invitae), Labcorp).

NM_000702.4(ATP1A2):c.1234C>T (p.Arg412Ter)

Gene: ATP1A2 (ATPase Na+/K+ transporting subunit alpha 2; plus strand). Cytogenetic location: 1q23.2.
Variant type: single nucleotide variant.
Coding change: c.1234C>T on transcript NM_000702.4 (MANE Select); coding-DNA position 1234, C replaced by T.
Protein change: p.Arg412Ter; replaces arginine 412 with a stop codon.
Molecular consequence: nonsense.
Genome position (GRCh38, 1-based): chr1:160,128,997, C>T. VCF-style: chr1-160128997-C-T. GRCh37 (hg19) VCF-style: chr1-160098787-C-T.
Other names: short protein forms R412*.
Identifiers: ClinVar variation 2507016 (VCV002507016.7), dbSNP rs760155608, ClinGen allele CA1194422.
Genomic context (GRCh38, chr1:160,128,997, plus strand): 5'-CTAAAGGGAGCCACGCTCCTGGTTCCCCCTCATTTCCTCCCAGGGGCCACTTTTGACAAA[C>T]GATCCCCTACGTGGACGGCCCTGTCTCGAATTGCTGGTCTCTGCAACCGCGCCGTCTTCA-3'